The following is an entry in ClinVar:

ClinVar aggregate classification (germline): Uncertain significance (1 of 4 stars; one submission).

gnomAD v4.1: 1 of 1,613,938 alleles (0.000062%); highest among the groups gnomAD compares: Non-Finnish European, 0.000085%; no homozygotes.

Submission:

Labcorp Genetics (formerly Invitae), Labcorp
Classification: Uncertain significance. Last evaluated: 2022-03-19. Review status: criteria provided, single submitter. Criteria: Invitae Variant Classification Sherloc (09022015). Collection method: clinical testing. Allele origin: germline.
Comment: This sequence change replaces alanine, which is neutral and non-polar, with valine, which is neutral and non-polar, at codon 564 of the P3H2 protein (p.Ala564Val). This variant is not present in population databases (gnomAD no frequency). This variant has not been reported in the literature in individuals affected with P3H2-related conditions. Algorithms developed to predict the effect of missense changes on protein structure and function (SIFT, PolyPhen-2, Align-GVGD) all suggest that this variant is likely to be disruptive. In summary, the available evidence is currently insufficient to determine the role of this variant in disease. Therefore, it has been classified as a Variant of Uncertain Significance.

NM_018192.4(P3H2):c.1691C>T (p.Ala564Val)

Gene: P3H2 (prolyl 3-hydroxylase 2; minus strand). Cytogenetic location: 3q28.
Variant type: single nucleotide variant.
Coding change: c.1691C>T on transcript NM_018192.4 (MANE Select); coding-DNA position 1691, C replaced by T.
Protein change: p.Ala564Val; replaces alanine 564 with valine.
Molecular consequence: missense variant.
Genome position (GRCh38, 1-based): chr3:189,972,882, G>A on the plus strand (C>T on the coding strand, the complement: P3H2 is on the minus strand). VCF-style: chr3-189972882-G-A. GRCh37 (hg19) VCF-style: chr3-189690671-G-A.
Other names: c.1148C>T, p.Ala383Val (NM_001134418.2); short protein forms A564V, A383V.
Identifiers: ClinVar variation 1444933 (VCV001444933.6), dbSNP rs1326338537, ClinGen allele CA355753013.